The following is an entry in ClinVar:

NM_004304.5(ALK):c.1021A>G (p.Ser341Gly)

Gene: ALK (ALK receptor tyrosine kinase; minus strand). Cytogenetic location: 2p23.2.
Variant type: single nucleotide variant.
Coding change: c.1021A>G on transcript NM_004304.5 (MANE Select); coding-DNA position 1021, A replaced by G.
Protein change: p.Ser341Gly; replaces serine 341 with glycine.
Molecular consequence: missense variant.
Genome position (GRCh38, 1-based): chr2:29,532,048, T>C on the plus strand (A>G on the coding strand, the complement: ALK is on the minus strand). VCF-style: chr2-29532048-T-C. GRCh37 (hg19) VCF-style: chr2-29754914-T-C.
Other names: c.1021A>G (NM_004304.4); short protein forms S341G.
Identifiers: ClinVar variation 1056340 (VCV001056340.10), dbSNP rs755433685, ClinGen allele CA1594783.

ClinVar aggregate classification (germline): Conflicting classifications of pathogenicity. Review status: criteria provided, conflicting classifications (1 of 4 stars). 2 submissions from 2 submitters: Uncertain significance (1); Likely benign (1). Last evaluated 2025-03-03.

Conditions:
Hereditary cancer-predisposing syndrome. Also called: Hereditary Cancer Syndrome; Tumor predisposition; Hereditary neoplastic syndrome; Neoplastic Syndromes, Hereditary. Identifiers: Orphanet 140162, MedGen C0027672, MeSH D009386, MONDO:0015356.
Neuroblastoma, susceptibility to, 3. Also called: ALK-Related Neuroblastic Tumor Susceptibility. Identifiers: Orphanet 635, MedGen C2751681, MONDO:0013083, OMIM 613014.

Allele frequency attached by ClinVar (database versions not stated): gnomAD exomes below 0.00001; ExAC 0.00001; gnomAD 0.00001.
gnomAD v4.1: 5 of 1,613,934 alleles (0.00031%); highest among the groups gnomAD compares: East Asian, 0.0022%; no homozygotes.

Submissions (2):

Ambry Genetics
Classification: Likely benign for Hereditary cancer-predisposing syndrome. Last evaluated: 2025-03-03. Review status: criteria provided, single submitter. Criteria: Ambry Variant Classification Scheme 2023. Collection method: clinical testing. Allele origin: germline.

Labcorp Genetics (formerly Invitae), Labcorp
Classification: Uncertain significance for Neuroblastoma, susceptibility to, 3. Last evaluated: 2024-04-10. Review status: criteria provided, single submitter. Criteria: Invitae Variant Classification Sherloc (09022015). Collection method: clinical testing. Allele origin: germline.
Comment: This sequence change replaces serine, which is neutral and polar, with glycine, which is neutral and non-polar, at codon 341 of the ALK protein (p.Ser341Gly). This variant is present in population databases (rs755433685, gnomAD 0.006%). This variant has not been reported in the literature in individuals affected with ALK-related conditions. ClinVar contains an entry for this variant (Variation ID: 1056340). An algorithm developed to predict the effect of missense changes on protein structure and function (PolyPhen-2) suggests that this variant is likely to be tolerated. In summary, the available evidence is currently insufficient to determine the role of this variant in disease. Therefore, it has been classified as a Variant of Uncertain Significance.